The following is an entry in ClinVar:

NM_001166108.2(PALLD):c.1965-12553G>A

Gene: PALLD (palladin, cytoskeletal associated protein; plus strand). Cytogenetic location: 4q32.3.
Variant type: single nucleotide variant.
Coding change: c.1965-12553G>A on transcript NM_001166108.2 (MANE Select); 12553 bases into the intron before coding-DNA position 1965, G replaced by A.
Molecular consequence: intron variant. On other transcripts: missense variant (1).
Genome position (GRCh38, 1-based): chr4:168,878,369, G>A. VCF-style: chr4-168878369-G-A. GRCh37 (hg19) VCF-style: chr4-169799520-G-A.
Other names: c.478G>A (NM_001166110.1); c.478G>A, p.Gly160Arg (NM_001166110.2); c.1965-12553G>A (NM_016081.4); c.819-12553G>A (NM_001166109.2); c.-157-12553G>A (NM_001367570.1, NM_001367568.1, NM_001367567.1 and 1 more transcripts); short protein forms G160R.
Identifiers: ClinVar variation 3016587 (VCV003016587.5), dbSNP rs1023738670, ClinGen allele CA110515954.

ClinVar aggregate classification (germline): Uncertain significance. Review status: criteria provided, multiple submitters, no conflicts (2 of 4 stars). 2 submissions from 2 submitters: Uncertain significance (2). Last evaluated 2025-05-30.

Conditions:
Pancreatic adenocarcinoma. Identifiers: MedGen C0281361, MONDO:0006047, HP:0006725.

Allele frequency attached by ClinVar (database versions not stated): TOPMed 0.00006; gnomAD 0.00003.
gnomAD v4.1: 6 of 1,515,028 alleles (0.0004%); highest among the groups gnomAD compares: Admixed American, 0.01%; no homozygotes.

Submissions (2):

Labcorp Genetics (formerly Invitae), Labcorp
Classification: Uncertain significance for Pancreatic adenocarcinoma. Last evaluated: 2025-05-30. Review status: criteria provided, single submitter. Criteria: Invitae Variant Classification Sherloc (09022015). Collection method: clinical testing. Allele origin: germline.
Comment: This sequence change replaces glycine, which is neutral and non-polar, with arginine, which is basic and polar, at codon 160 of the PALLD protein (p.Gly160Arg). This variant is not present in population databases (gnomAD no frequency). This variant has not been reported in the literature in individuals affected with PALLD-related conditions. ClinVar contains an entry for this variant (Variation ID: 3016587). An algorithm developed to predict the effect of missense changes on protein structure and function (PolyPhen-2) suggests that this variant is likely to be disruptive. In summary, the available evidence is currently insufficient to determine the role of this variant in disease. Therefore, it has been classified as a Variant of Uncertain Significance.

Ambry Genetics
Classification: Uncertain significance. Last evaluated: 2024-11-18. Review status: criteria provided, single submitter. Criteria: Ambry Variant Classification Scheme 2023. Collection method: clinical testing. Allele origin: germline.
Comment: The p.G160R variant (also known as c.478G>A), located in coding exon 1 of the PALLD gene, results from a G to A substitution at nucleotide position 478. The glycine at codon 160 is replaced by arginine, an amino acid with dissimilar properties. This amino acid position is conserved. In addition, this alteration is predicted to be tolerated by in silico analysis. Based on the available evidence, the clinical significance of this variant remains unclear.